The following is an entry in ClinVar:

NM_001267550.2(TTN):c.33286_33287delinsAA (p.Arg11096Asn)

Gene: TTN (titin; minus strand). Cytogenetic location: 2q31.2.
Variant type: Indel.
Coding change: c.33286_33287delinsAA on transcript NM_001267550.2 (MANE Select); coding-DNA positions 33286 to 33287, CG replaced by AA.
Protein change: p.Arg11096Asn; replaces arginine 11096 with asparagine.
Molecular consequence: missense variant. On other transcripts: intron variant (3).
Genome position (GRCh38, 1-based): chr2:178,681,132-178,681,133, CG replaced by TT on the plus strand (CG replaced by AA on the coding strand, the reverse complement: TTN is on the minus strand). VCF-style: chr2-178681132-CG-TT. GRCh37 (hg19) VCF-style: chr2-179545859-CG-TT.
Other names: c.32335_32336delinsAA, p.Arg10779Asn (NM_001256850.1); c.29554_29555delinsAA, p.Arg9852Asn (NM_133378.4); c.13283-38816_13283-38815delinsAA (NM_003319.4); c.13859-38816_13859-38815delinsAA (NM_133437.4); c.13658-38816_13658-38815delinsAA (NM_133432.3); short protein forms R10779N, R11096N, R9852N.
Identifiers: ClinVar variation 4820526 (VCV004820526.1), dbSNP rs36051007.

ClinVar aggregate classification (germline): Likely benign (1 of 4 stars; one submission).

Submission:

Molecular Diagnostic Laboratory for Inherited Cardiovascular Disease, Montreal Heart Institute
Classification: Likely benign. Last evaluated: 2026-03-27. Review status: criteria provided, single submitter. Criteria: ACMG Guidelines, 2015. Collection method: clinical testing. Allele origin: germline. Affected: no.
Comment: BP1